The following is an entry in ClinVar:

ClinVar aggregate classification (germline): Conflicting classifications of pathogenicity. Review status: criteria provided, conflicting classifications (1 of 4 stars). 2 submissions from 2 submitters: Likely pathogenic (1); Uncertain significance (1). Last evaluated 2023-12-09.

Conditions:
Spastic paraplegia. Identifiers: MedGen C0037772, HP:0001258.

Submissions (2):

Labcorp Genetics (formerly Invitae), Labcorp
Classification: Likely pathogenic for Spastic paraplegia. Last evaluated: 2023-12-09. Review status: criteria provided, single submitter. Criteria: Invitae Variant Classification Sherloc (09022015). Collection method: clinical testing. Allele origin: germline.
Comment: This sequence change creates a premature translational stop signal (p.Leu487Phefs*11) in the CYP7B1 gene. While this is not anticipated to result in nonsense mediated decay, it is expected to disrupt the last 20 amino acid(s) of the CYP7B1 protein. This variant is present in population databases (rs776075679, gnomAD 0.003%). This premature translational stop signal has been observed in individuals with hereditary spastic paraplegia (PMID: 23812641, 26374131). ClinVar contains an entry for this variant (Variation ID: 498356). This variant disrupts a region of the CYP7B1 protein in which other variant(s) (p.Gly490Cys) have been observed in individuals with CYP7B1-related conditions (Invitae). This suggests that this is a clinically significant region of the protein, and that variants that disrupt it are likely to be disease-causing. In summary, the currently available evidence indicates that the variant is pathogenic, but additional data are needed to prove that conclusively. Therefore, this variant has been classified as Likely Pathogenic.

Eurofins Ntd Llc (ga)
Classification: Uncertain significance. Last evaluated: 2016-11-01. Review status: criteria provided, single submitter. Criteria: EGL Classification Definitions 2015. Collection method: clinical testing. Allele origin: germline. Observed: 1 variant allele, 1 heterozygote.

Literature cited by the submitters: PubMed 23812641 (cited by Labcorp Genetics (formerly Invitae), Labcorp and Eurofins Ntd Llc (ga)); PubMed 26374131 (cited by Labcorp Genetics (formerly Invitae), Labcorp).

NM_004820.5(CYP7B1):c.1460dup (p.Leu487fs)

Gene: CYP7B1 (cytochrome P450 family 7 subfamily B member 1; minus strand). Cytogenetic location: 8q12.3.
Variant type: Duplication.
Coding change: c.1460dup on transcript NM_004820.5 (MANE Select); coding-DNA position 1460, one base duplicated (T; older notation c.1460dupT).
Protein change: p.Leu487fs; shifts the reading frame from leucine 487.
Molecular consequence: frameshift variant. On other transcripts: intron variant (1).
Genome position (GRCh38, 1-based): chr8:64,596,703, A duplicated on the plus strand (T on the coding strand, the reverse complement: CYP7B1 is on the minus strand); the first of 2 consecutive A bases (chr8:64,596,703-64,596,704); duplicating either gives the same sequence. VCF-style (leftmost placement, unchanged base first): chr8-64596702-C-CA. GRCh37 (hg19) VCF-style: chr8-65509259-C-CA.
Other names: c.1234-6860dup (NM_001324112.2); short protein forms L487fs.
Identifiers: ClinVar variation 498356 (VCV000498356.9), dbSNP rs776075679, ClinGen allele CA4763977.